The following is an entry in ClinVar:

ClinVar aggregate classification (germline): Conflicting classifications of pathogenicity. Review status: criteria provided, conflicting classifications (1 of 4 stars). 3 submissions from 3 submitters: Uncertain significance (1); Benign (1); Likely benign (1). Last evaluated 2025-12-22.

Conditions:
Developmental and epileptic encephalopathy, 47 (DEE47). Also called: Epileptic encephalopathy, early infantile, 47. Identifiers: MedGen C4310685, MONDO:0014949, OMIM 617166.
Inborn genetic diseases. Identifiers: MedGen C0950123, MeSH D030342.

Allele frequency attached by ClinVar (database versions not stated): ExAC 0.00002; gnomAD exomes 0.00002; gnomAD 0.00006 and 0.00007; TOPMed 0.00007; ESP Exome Variant Server 0.00008; 1000 Genomes Project 30x 0.00016; 1000 Genomes Project 0.00020.
gnomAD v4.1: 15 of 1,613,180 alleles (0.00093%); highest among the groups gnomAD compares: African/African-American, 0.017%; no homozygotes.

Submissions (3):

Ambry Genetics
Classification: Likely benign for Inborn genetic diseases. Last evaluated: 2025-12-22. Review status: criteria provided, single submitter. Criteria: Ambry Variant Classification Scheme 2023. Collection method: clinical testing. Allele origin: germline.

Labcorp Genetics (formerly Invitae), Labcorp
Classification: Benign. Last evaluated: 2025-01-25. Review status: criteria provided, single submitter. Criteria: Invitae Variant Classification Sherloc (09022015). Collection method: clinical testing. Allele origin: germline.

Baylor Genetics
Classification: Uncertain significance for Developmental and epileptic encephalopathy, 47. Last evaluated: 2018-03-20. Review status: criteria provided, single submitter. Criteria: ACMG Guidelines, 2015. Collection method: clinical testing. Allele origin: maternal. Affected: yes.
Comment: This variant was determined to be of uncertain significance according to ACMG Guidelines, 2015 [PMID:25741868].

NM_004113.6(FGF12):c.88A>G (p.Thr30Ala)

Gene: FGF12 (fibroblast growth factor 12; minus strand). Cytogenetic location: 3q28.
Variant type: single nucleotide variant.
Coding change: c.88A>G on transcript NM_004113.6 (MANE Select); coding-DNA position 88, A replaced by G.
Protein change: p.Thr30Ala; replaces threonine 30 with alanine.
Molecular consequence: missense variant. On other transcripts: intron variant (1).
Genome position (GRCh38, 1-based): chr3:192,360,464, T>C on the plus strand (A>G on the coding strand, the complement: FGF12 is on the minus strand). VCF-style: chr3-192360464-T-C. GRCh37 (hg19) VCF-style: chr3-192078253-T-C.
Other names: c.16A>G, p.Thr6Ala (NM_001377293.1, NM_001377294.1); c.274A>G, p.Thr92Ala (NM_021032.5); c.14-25000A>G (NM_001377292.1); short protein forms T92A, T30A, T6A.
Identifiers: ClinVar variation 1033969 (VCV001033969.10), dbSNP rs142373936, ClinGen allele CA2755843.